The following is an entry in ClinVar:

NM_000170.3(GLDC):c.2933C>G (p.Pro978Arg)

Gene: GLDC (glycine decarboxylase; minus strand). Cytogenetic location: 9p24.1.
Variant type: single nucleotide variant.
Coding change: c.2933C>G on transcript NM_000170.3 (MANE Select); coding-DNA position 2933, C replaced by G.
Protein change: p.Pro978Arg; replaces proline 978 with arginine.
Molecular consequence: missense variant.
Genome position (GRCh38, 1-based): chr9:6,533,147, G>C on the plus strand (C>G on the coding strand, the complement: GLDC is on the minus strand). VCF-style: chr9-6533147-G-C. GRCh37 (hg19) VCF-style: chr9-6533147-G-C.
Other names: short protein forms P978R.
Identifiers: ClinVar variation 3377623 (VCV003377623.1).

ClinVar aggregate classification (germline): Uncertain significance (1 of 4 stars; one submission).

Conditions:
Glycine encephalopathy 1 (GCE1). Identifiers: MedGen CN376801, MONDO:0958179, OMIM 605899.

gnomAD v4.1: 2 of 1,613,626 alleles (0.00012%); highest among the groups gnomAD compares: Non-Finnish European, 0.00017%; no homozygotes.

Submission:

Neuberg Centre For Genomic Medicine, NCGM
Classification: Uncertain significance for Glycine encephalopathy 1. Last evaluated: 2023-06-22. Review status: criteria provided, single submitter. Criteria: ACMG Guidelines, 2015. Collection method: clinical testing. Allele origin: germline. Inheritance: Autosomal recessive inheritance. Affected: yes.
Comment: The missense variant c.2933C>G(p.Pro978Arg) in GLDC gene has not been reported previously as a pathogenic variant nor as a benign variant, to our knowledge. The observed variant is absent in gnomAD exomes database. This variant has not been submitted to the ClinVar database. Multiple lines of computational evidence (Polyphen - benign, SIFT - tolerated and MutationTaster - disease causing) predicts conflicting evidence on protein structure and function for this variant. The reference amino acid change p.Pro978Arg in GLDC is predicted as conserved by GERP++ and PhyloP across 100 vertebrates. The amino acid Pro at position 978 is changed to a Arg changing protein sequence and it might alter its composition and physico-chemical properties. For these reasons, this variant has been classified as Uncertain Significance (VUS).